The following is an entry in ClinVar:

ClinVar aggregate classification (germline): Benign/Likely benign. Review status: criteria provided, multiple submitters, no conflicts (2 of 4 stars). 4 submissions from 4 submitters: Benign (2); Likely benign (1). 1 of the submissions does not count toward it. Last evaluated 2026-01-23.

Conditions:
TMPRSS15-related disorder. Also called: TMPRSS15-related condition.

Allele frequency attached by ClinVar (database versions not stated): 1000 Genomes Project 0.00479; 1000 Genomes Project 30x 0.00547.
gnomAD v4.1: 1,300 of 1,613,954 alleles (0.081%); highest among the groups gnomAD compares: African/African-American, 1.6%; 12 homozygotes.

Submissions (4):

Labcorp Genetics (formerly Invitae), Labcorp
Classification: Benign. Last evaluated: 2026-01-23. Review status: criteria provided, single submitter. Criteria: Invitae Variant Classification Sherloc (09022015). Collection method: clinical testing. Allele origin: germline.

Blueprint Genetics
Classification: Likely benign. Last evaluated: 2024-09-18. Review status: criteria provided, single submitter. Criteria: ACMG Guidelines, 2015. Collection method: clinical testing. Allele origin: germline.

Breakthrough Genomics
Classification: Benign. Review status: criteria provided, single submitter. Criteria: ACMG Guidelines, 2015. Collection method: not provided. Allele origin: germline. Inheritance: Autosomal recessive inheritance. Affected: yes.

PreventionGenetics, part of Exact Sciences
Classification: Benign for TMPRSS15-related condition. Last evaluated: 2019-04-24. Review status: no assertion criteria provided. Collection method: clinical testing. Allele origin: germline. Not counted in ClinVar's aggregate classification.
Comment: This variant is classified as benign based on ACMG/AMP sequence variant interpretation guidelines (Richards et al. 2015 PMID: 25741868, with internal and published modifications).

NM_002772.3(TMPRSS15):c.1473G>T (p.Ala491=)

Gene: TMPRSS15 (transmembrane serine protease 15; minus strand). Cytogenetic location: 21q21.1.
Variant type: single nucleotide variant.
Coding change: c.1473G>T on transcript NM_002772.3 (MANE Select); coding-DNA position 1473, G replaced by T.
Protein change: p.Ala491=; no amino-acid change (alanine 491 retained).
Molecular consequence: synonymous variant.
Genome position (GRCh38, 1-based): chr21:18,341,504, C>A on the plus strand (G>T on the coding strand, the complement: TMPRSS15 is on the minus strand). VCF-style: chr21-18341504-C-A. GRCh37 (hg19) VCF-style: chr21-19713821-C-A.
Identifiers: ClinVar variation 733674 (VCV000733674.12), dbSNP rs2824751, ClinGen allele CA9984412.